The following is an entry in ClinVar:

NM_021098.3(CACNA1H):c.888C>A (p.Asp296Glu)

Gene: CACNA1H (calcium voltage-gated channel subunit alpha1 H; plus strand). Cytogenetic location: 16p13.3.
Variant type: single nucleotide variant.
Coding change: c.888C>A on transcript NM_021098.3 (MANE Select); coding-DNA position 888, C replaced by A.
Protein change: p.Asp296Glu; replaces aspartic acid 296 with glutamic acid.
Molecular consequence: missense variant.
Genome position (GRCh38, 1-based): chr16:1,200,340, C>A. VCF-style: chr16-1200340-C-A. GRCh37 (hg19) VCF-style: chr16-1250340-C-A.
Other names: c.888C>A, p.Asp296Glu (NM_001005407.2); short protein forms D296E.
Identifiers: ClinVar variation 1712032 (VCV001712032.2), dbSNP rs79829712, ClinGen allele CA394156192.
Genomic context (GRCh38, chr16:1,200,340, plus strand): 5'-GCCGTACTACCAGACGGAGGAGGGCGAGGAGAACCCGTTCATCTGCTCCTCACGCCGAGA[C>A]AACGGCATGCAGAAGTGCTCGCACATCCCCGGCCGCCGCGAGCTGCGCATGCCCTGCACC-3'
Protein context (NP_066921.2, residues 286-306): ENPFICSSRR[Asp296Glu]NGMQKCSHIP

ClinVar aggregate classification (germline): Uncertain significance (1 of 4 stars; one submission).

Submission:

GeneDx
Classification: Uncertain significance. Last evaluated: 2022-04-18. Review status: criteria provided, single submitter. Criteria: GeneDx Variant Classification Process June 2021. Collection method: clinical testing. Allele origin: germline. Affected: yes.
Comment: Not observed at significant frequency in large population cohorts (gnomAD); In silico analysis supports that this missense variant does not alter protein structure/function; Has not been previously published as pathogenic or benign to our knowledge